The following is an entry in ClinVar:

ClinVar aggregate classification (germline): Conflicting classifications of pathogenicity. Review status: criteria provided, conflicting classifications (1 of 4 stars). 3 submissions from 3 submitters: Likely pathogenic (1); Uncertain significance (1). 1 of the submissions does not count toward it. Last evaluated 2024-01-29.

Conditions:
Autosomal dominant nonsyndromic hearing loss 4B. Identifiers: Orphanet 90635, MedGen C3281297, MONDO:0013823, OMIM 614614.

Allele frequency attached by ClinVar (database versions not stated): gnomAD 0.00001.
gnomAD v4.1: 1 of 1,613,842 alleles (0.000062%); highest among the groups gnomAD compares: Non-Finnish European, 0.000085%; no homozygotes.

Submissions (3):

Blueprint Genetics
Classification: Uncertain significance. Last evaluated: 2024-01-29. Review status: criteria provided, single submitter. Criteria: ACMG Guidelines, 2015. Collection method: clinical testing. Allele origin: germline.

Precision Medicine Center, Zhengzhou University
Classification: Likely pathogenic for Autosomal dominant nonsyndromic hearing loss 4B. Last evaluated: 2006-06-30. Review status: criteria provided, single submitter. Criteria: ClinGen HL ACMG Specifications v1. Collection method: clinical testing. Allele origin: de novo. Affected: yes.
Comment: PM2+PM6+PS3_supporting+PS4_supporting: The CEACAM16 c.763A>G variant is absent or extremely rare in population databases (PM2). It has been reported as a putative de novo variant in an affected individual (PM6). Supporting functional studies suggest impaired protein function (PMID:35292975) (PS3_supporting), and the variant has been observed in multiple unrelated individuals with CEACAM16-related hearing loss (PMID:35292975) (PS4_supporting). According to the ACMG/AMP guidelines, this variant is classified as Likely Pathogenic.

ColIege of Otolaryngology Head and Neck Surgery, Chinese PLA General Hospital
Classification: Pathogenic for Autosomal dominant nonsyndromic hearing loss 4B. Last evaluated: 2020-07-01. Review status: no assertion criteria provided. Collection method: case-control. Allele origin: inherited. Inheritance: Autosomal dominant inheritance. Affected: yes. Observed: 1 variant allele, 1 heterozygote. Not counted in ClinVar's aggregate classification.

Literature cited by the submitters: PubMed 35292975 (cited by Precision Medicine Center, Zhengzhou University); PubMed 25589040 (cited by ColIege of Otolaryngology Head and Neck Surgery, Chinese PLA General Hospital).

NM_001039213.4(CEACAM16):c.763A>G (p.Arg255Gly)

Genes: CEACAM16 (CEA cell adhesion molecule 16, tectorial membrane component; plus strand), CEACAM16-AS1 (CEACAM16, CEACAM19 and PVR antisense RNA 1; minus strand). Cytogenetic location: 19q13.32.
Variant type: single nucleotide variant.
Coding change: c.763A>G on transcript NM_001039213.4 (MANE Select); coding-DNA position 763, A replaced by G.
Protein change: p.Arg255Gly; replaces arginine 255 with glycine.
Molecular consequence: missense variant.
Genome position (GRCh38, 1-based): chr19:44,705,691, A>G. VCF-style: chr19-44705691-A-G. GRCh37 (hg19) VCF-style: chr19-45208961-A-G.
Other names: short protein forms R255G.
Identifiers: ClinVar variation 1185559 (VCV001185559.4), dbSNP rs1347137461, ClinGen allele CA406290603.